The following is an entry in ClinVar:

NM_002439.5(MSH3):c.1892A>C (p.Lys631Thr)

Gene: MSH3 (mutS homolog 3; plus strand). Cytogenetic location: 5q14.1.
Variant type: single nucleotide variant.
Coding change: c.1892A>C on transcript NM_002439.5 (MANE Select); coding-DNA position 1892, A replaced by C.
Protein change: p.Lys631Thr; replaces lysine 631 with threonine.
Molecular consequence: missense variant.
Genome position (GRCh38, 1-based): chr5:80,761,674, A>C. VCF-style: chr5-80761674-A-C. GRCh37 (hg19) VCF-style: chr5-80057493-A-C.
Other names: short protein forms K631T.
Identifiers: ClinVar variation 3222250 (VCV003222250.1), dbSNP rs1744038315, ClinGen allele CA360276738.

ClinVar aggregate classification (germline): Uncertain significance (1 of 4 stars; one submission).

Conditions:
Hereditary cancer-predisposing syndrome. Also called: Tumor predisposition; Hereditary neoplastic syndrome; Hereditary Cancer Syndrome; Neoplastic Syndromes, Hereditary. Identifiers: Orphanet 140162, MedGen C0027672, MeSH D009386, MONDO:0015356.

Submission:

Ambry Genetics
Classification: Uncertain significance for Hereditary cancer-predisposing syndrome. Last evaluated: 2023-10-06. Review status: criteria provided, single submitter. Criteria: Ambry Variant Classification Scheme 2023. Collection method: clinical testing. Allele origin: germline.
Comment: The p.K631T variant (also known as c.1892A>C), located in coding exon 13 of the MSH3 gene, results from an A to C substitution at nucleotide position 1892. The lysine at codon 631 is replaced by threonine, an amino acid with similar properties. This amino acid position is conserved. In addition, the in silico prediction for this alteration is inconclusive. Since supporting evidence is limited at this time, the clinical significance of this alteration remains unclear.